The following is an entry in ClinVar:

ClinVar aggregate classification (germline): Pathogenic (1 of 4 stars; one submission).

Allele frequency attached by ClinVar (database versions not stated): gnomAD exomes below 0.00001 and 0.00001; ExAC 0.00001.

Submission:

Labcorp Genetics (formerly Invitae), Labcorp
Classification: Pathogenic. Last evaluated: 2023-03-09. Review status: criteria provided, single submitter. Criteria: Invitae Variant Classification Sherloc (09022015). Collection method: clinical testing. Allele origin: germline.
Comment: This sequence change creates a premature translational stop signal (p.Arg55Glufs*64) in the RLBP1 gene. It is expected to result in an absent or disrupted protein product. Loss-of-function variants in RLBP1 are known to be pathogenic (PMID: 2392416, 11301032, 21447491, 25429852). This variant is present in population databases (rs753849847, gnomAD 0.006%). This variant has not been reported in the literature in individuals affected with RLBP1-related conditions. For these reasons, this variant has been classified as Pathogenic.

Literature cited by the submitters: PubMed 2392416; PubMed 11301032; PubMed 21447491; PubMed 25429852.

NM_000326.5(RLBP1):c.163del (p.Arg55fs)

Gene: RLBP1 (retinaldehyde binding protein 1; minus strand). Cytogenetic location: 15q26.1.
Variant type: Deletion.
Coding change: c.163del on transcript NM_000326.5 (MANE Select); coding-DNA position 163, one base deleted (A; older notation c.163delA).
Protein change: p.Arg55fs; shifts the reading frame from arginine 55.
Molecular consequence: frameshift variant.
Genome position (GRCh38, 1-based): chr15:89,217,303, T deleted on the plus strand (A on the coding strand, the reverse complement: RLBP1 is on the minus strand). VCF-style (leftmost placement, unchanged base first): chr15-89217302-CT-C. GRCh37 (hg19) VCF-style: chr15-89760533-CT-C.
Other names: short protein forms R55fs.
Identifiers: ClinVar variation 2995933 (VCV002995933.3), dbSNP rs753849847, ClinGen allele CA7722370.